The following is an entry in ClinVar:

ClinVar aggregate classification (germline): Uncertain significance. Review status: criteria provided, single submitter (1 of 4 stars). 2 submissions from 2 submitters: Uncertain significance (1). 1 of the submissions does not count toward it. Last evaluated 2022-02-23.

Conditions:
Usher syndrome type 1 (USH1). Also called: RETINITIS PIGMENTOSA AND CONGENITAL DEAFNESS. Identifiers: Orphanet 231169, Orphanet 886, MedGen C1568247, MONDO:0010168, OMIM 276900.

Allele frequency attached by ClinVar (database versions not stated): gnomAD exomes 0.00001; TOPMed 0.00003; 1000 Genomes Project 30x 0.00031; ExAC 0.00002; gnomAD 0.00004; 1000 Genomes Project 0.00020.
gnomAD v4.1: 19 of 1,608,090 alleles (0.0012%); highest among the groups gnomAD compares: African/African-American, 0.0053%; no homozygotes.

Submissions (2):

Labcorp Genetics (formerly Invitae), Labcorp
Classification: Uncertain significance. Last evaluated: 2022-02-23. Review status: criteria provided, single submitter. Criteria: Invitae Variant Classification Sherloc (09022015). Collection method: clinical testing. Allele origin: germline.
Comment: This sequence change replaces arginine, which is basic and polar, with histidine, which is basic and polar, at codon 2222 of the CDH23 protein (p.Arg2222His). The frequency data for this variant in the population databases is considered unreliable, as metrics indicate poor data quality at this position in the gnomAD database. This variant has not been reported in the literature in individuals affected with CDH23-related conditions. ClinVar contains an entry for this variant (Variation ID: 960154). Algorithms developed to predict the effect of missense changes on protein structure and function output the following: SIFT: "Tolerated"; PolyPhen-2: "Not Available"; Align-GVGD: "Class C0". The histidine amino acid residue is found in multiple mammalian species, which suggests that this missense change does not adversely affect protein function. In summary, the available evidence is currently insufficient to determine the role of this variant in disease. Therefore, it has been classified as a Variant of Uncertain Significance.

Natera, Inc.
Classification: Uncertain significance for Usher syndrome type 1. Last evaluated: 2021-03-02. Review status: no assertion criteria provided. Collection method: clinical testing. Allele origin: germline. Not counted in ClinVar's aggregate classification.

NM_022124.6(CDH23):c.6665G>A (p.Arg2222His)

Gene: CDH23 (cadherin related 23; plus strand). Cytogenetic location: 10q22.1.
Variant type: single nucleotide variant.
Coding change: c.6665G>A on transcript NM_022124.6 (MANE Select); coding-DNA position 6665, G replaced by A.
Protein change: p.Arg2222His; replaces arginine 2222 with histidine.
Molecular consequence: missense variant.
Genome position (GRCh38, 1-based): chr10:71,793,593, G>A. VCF-style: chr10-71793593-G-A. GRCh37 (hg19) VCF-style: chr10-73553350-G-A.
Other names: short protein forms R2222H.
Identifiers: ClinVar variation 960154 (VCV000960154.8), dbSNP rs534969331, ClinGen allele CA5546145.